The following is an entry in ClinVar:

ClinVar aggregate classification (germline): Benign (1 of 4 stars; one submission).

Submission:

GeneDx
Classification: Benign. Last evaluated: 2018-06-14. Review status: criteria provided, single submitter. Criteria: GeneDx Variant Classification (06012015). Collection method: clinical testing. Allele origin: germline. Affected: yes.
Comment: This variant is considered likely benign or benign based on one or more of the following criteria: it is a conservative change, it occurs at a poorly conserved position in the protein, it is predicted to be benign by multiple in silico algorithms, and/or has population frequency not consistent with disease.

NM_024422.6(DSC2):c.943-293_943-276del

Gene: DSC2 (desmocollin 2; minus strand). Cytogenetic location: 18q12.1.
Variant type: Deletion.
Coding change: c.943-293_943-276del on transcript NM_024422.6 (MANE Select); 293 bases into the intron before coding-DNA position 943 through 276 bases into the intron before coding-DNA position 943, 18 bases deleted (TGTGATTCTCCTGCCTCG).
Molecular consequence: intron variant.
Genome position (GRCh38, 1-based): chr18:31,083,336-31,083,353, CGAGGCAGGAGAATCACA deleted on the plus strand (TGTGATTCTCCTGCCTCG on the coding strand, the reverse complement: DSC2 is on the minus strand); deleting any 18 consecutive bases within chr18:31,083,336-31,083,354 gives the same sequence; the c. name uses the placement nearest the transcript's 3' end. VCF-style (leftmost placement, unchanged base first): chr18-31083335-GCGAGGCAGGAGAATCACA-G. GRCh37 (hg19) VCF-style: chr18-28663301-GCGAGGCAGGAGAATCACA-G.
Other names: c.943-293_943-276del (NM_004949.5).
Identifiers: ClinVar variation 683843 (VCV000683843.1), dbSNP rs146968444, ClinGen allele CA297638038.